The following is an entry in ClinVar:

ClinVar aggregate classification (germline): Uncertain significance (1 of 4 stars; one submission).

Submission:

GeneDx
Classification: Uncertain significance. Last evaluated: 2025-06-02. Review status: criteria provided, single submitter. Criteria: GeneDx Variant Classification Process June 2021. Collection method: clinical testing. Allele origin: germline. Affected: yes.
Comment: Not observed at significant frequency in large population cohorts (gnomAD); In silico analysis suggests that this variant does not alter protein structure/function; Has not been previously published as pathogenic or benign to our knowledge

NM_001372.4(DNAH9):c.6329_6330inv (p.Asn2110Ser)

Gene: DNAH9 (dynein axonemal heavy chain 9; plus strand). Cytogenetic location: 17p12.
Variant type: Inversion.
Coding change: c.6329_6330inv on transcript NM_001372.4 (MANE Select).
Protein change: p.Asn2110Ser; replaces asparagine 2110 with serine.
Molecular consequence: missense variant.
Genome position: GRCh38 VCF-style: chr17-11745014-AC-GT. GRCh37 (hg19) VCF-style: chr17-11648331-AC-GT.
Other names: short protein forms N2110S.
Identifiers: ClinVar variation 4536497 (VCV004536497.1).
Genomic context (GRCh38, chr17:11,745,014, plus strand): 5'-TCATGGGCCTGATCGGGGACCTCTTTCCCGCCCTGGATGTCCCCCGGAGGAGAGACCCCA[AC>GT]TTCGAAGCTTTGGTTAGGAAGGCGATAGTGGATCTGAAGCTCCAGGCTGAGGACAACTTT-3'
Protein context (NP_001363.2, residues 2100-2120): ALDVPRRRDP[Asn2110Ser]FEALVRKAIV